The following is an entry in ClinVar:

NM_000091.5(COL4A3):c.*1239C>G

Genes: COL4A3 (collagen type IV alpha 3 chain; plus strand), MFF-DT (MFF divergent transcript; minus strand). Cytogenetic location: 2q36.3.
Variant type: single nucleotide variant.
Coding change: c.*1239C>G on transcript NM_000091.5 (MANE Select); 1239 bases downstream of the stop codon, C replaced by G.
Molecular consequence: 3 prime UTR variant.
Genome position (GRCh38, 1-based): chr2:227,313,109, C>G. VCF-style: chr2-227313109-C-G. GRCh37 (hg19) VCF-style: chr2-228177825-C-G.
Identifiers: ClinVar variation 334809 (VCV000334809.6), dbSNP rs10188531, ClinGen allele CA10614455.

ClinVar aggregate classification (germline): Benign. Review status: criteria provided, multiple submitters, no conflicts (2 of 4 stars). 2 submissions from 2 submitters: Benign (2). Last evaluated 2018-01-13.

Conditions:
Alport syndrome. Also called: Hemorrhagic familial nephritis; Hemorrhagic hereditary nephritis; Congenital hereditary hematuria. Identifiers: Orphanet 63, MedGen C1567741, MONDO:0018965.

Allele frequency attached by ClinVar (database versions not stated): 1000 Genomes Project 0.91613; 1000 Genomes Project 30x 0.91958; TOPMed 0.92626; gnomAD 0.92977 and 0.93197; gnomAD exomes 0.93415.
gnomAD v4.1: 141,925 of 152,672 alleles (93%); highest among the groups gnomAD compares: African/African-American, 97%; 66,014 homozygotes.

Submissions (2):

Illumina Laboratory Services, Illumina
Classification: Benign for Alport syndrome. Last evaluated: 2018-01-13. Review status: criteria provided, single submitter. Criteria: ICSL Variant Classification Criteria 13 December 2019. Collection method: clinical testing. Allele origin: germline.
Comment: This variant was observed in the ICSL laboratory as part of a predisposition screen in an ostensibly healthy population. It had not been previously curated by ICSL or reported in the Human Gene Mutation Database (HGMD: prior to June 1st, 2018), and was therefore a candidate for classification through an automated scoring system. Utilizing variant allele frequency, disease prevalence and penetrance estimates, and inheritance mode, an automated score was calculated to assess if this variant is too frequent to cause the disease. Based on the score and internal cut-off values, a variant classified as benign is not then subjected to further curation. The score for this variant resulted in a classification of benign for this disease.

Breakthrough Genomics
Classification: Benign. Review status: criteria provided, single submitter. Criteria: ACMG Guidelines, 2015. Collection method: not provided. Allele origin: germline. Inheritance: Autosomal recessive inheritance. Affected: yes.